The following is an entry in ClinVar:

NM_000088.4(COL1A1):c.1065_1078del (p.Gly356fs)

Gene: COL1A1 (collagen type I alpha 1 chain; minus strand). Cytogenetic location: 17q21.33.
Variant type: Deletion.
Coding change: c.1065_1078del on transcript NM_000088.4 (MANE Select); coding-DNA positions 1065 to 1078, 14 bases deleted (TGGTCCCCAAGGGC).
Protein change: p.Gly356fs; shifts the reading frame from glycine 356.
Molecular consequence: frameshift variant.
Genome position (GRCh38, 1-based): chr17:50,195,644-50,195,657, GCCCTTGGGGACCA deleted on the plus strand (TGGTCCCCAAGGGC on the coding strand, the reverse complement: COL1A1 is on the minus strand); deleting any 14 consecutive bases within chr17:50,195,644-50,195,659 gives the same sequence; the c. name uses the placement nearest the transcript's 3' end. VCF-style (leftmost placement, unchanged base first): chr17-50195643-GGCCCTTGGGGACCA-G. GRCh37 (hg19) VCF-style: chr17-48273004-GGCCCTTGGGGACCA-G.
Other names: short protein forms G356fs.
Identifiers: ClinVar variation 1453988 (VCV001453988.6), dbSNP rs2144577718, ClinGen allele CA2573154205.

ClinVar aggregate classification (germline): Pathogenic (1 of 4 stars; one submission).

Conditions:
Osteogenesis imperfecta type I (OI1). Also called: Lobstein disease; Classic Non-deforming Osteogenesis Imperfecta with Blue Sclerae; OI, TYPE I; OSTEOGENESIS IMPERFECTA TARDA; OSTEOGENESIS IMPERFECTA WITH BLUE SCLERAE; Osteogenesis imperfecta type 1. Identifiers: Orphanet 216796, Orphanet 666, MedGen C0023931, MONDO:0008146, OMIM 166200. Disease mechanism: loss of function.

Submission:

Labcorp Genetics (formerly Invitae), Labcorp
Classification: Pathogenic for Osteogenesis imperfecta type I. Last evaluated: 2022-07-05. Review status: criteria provided, single submitter. Criteria: Invitae Variant Classification Sherloc (09022015). Collection method: clinical testing. Allele origin: germline.
Comment: ClinVar contains an entry for this variant (Variation ID: 1453988). For these reasons, this variant has been classified as Pathogenic. This variant has not been reported in the literature in individuals affected with COL1A1-related conditions. This variant is not present in population databases (gnomAD no frequency). This sequence change creates a premature translational stop signal (p.Gly356Profs*4) in the COL1A1 gene. It is expected to result in an absent or disrupted protein product. Loss-of-function variants in COL1A1 are known to be pathogenic (PMID: 7942841, 9295084, 9443882).

Literature cited by the submitters: PubMed 7942841; PubMed 9295084; PubMed 9443882.